The following is an entry in ClinVar:

ClinVar aggregate classification (germline): Uncertain significance. Review status: criteria provided, multiple submitters, no conflicts (2 of 4 stars). 2 submissions from 2 submitters: Uncertain significance (2). Last evaluated 2025-05-18.

Allele frequency attached by ClinVar (database versions not stated): gnomAD 0.00001; TOPMed 0.00001; gnomAD exomes 0.00002; ExAC 0.00003.

Submissions (2):

Ambry Genetics
Classification: Uncertain significance. Last evaluated: 2025-05-18. Review status: criteria provided, single submitter. Criteria: Ambry Variant Classification Scheme 2023. Collection method: clinical testing. Allele origin: germline.

Labcorp Genetics (formerly Invitae), Labcorp
Classification: Uncertain significance. Last evaluated: 2024-11-09. Review status: criteria provided, single submitter. Criteria: Invitae Variant Classification Sherloc (09022015). Collection method: clinical testing. Allele origin: germline.
Comment: This sequence change replaces proline, which is neutral and non-polar, with serine, which is neutral and polar, at codon 681 of the NYNRIN protein (p.Pro681Ser). This variant is present in population databases (rs751868586, gnomAD 0.03%). This variant has not been reported in the literature in individuals affected with NYNRIN-related conditions. ClinVar contains an entry for this variant (Variation ID: 2214881). Experimental studies and prediction algorithms are not available or were not evaluated, and the functional significance of this variant is currently unknown. In summary, the available evidence is currently insufficient to determine the role of this variant in disease. Therefore, it has been classified as a Variant of Uncertain Significance.

NM_025081.3(NYNRIN):c.2041C>T (p.Pro681Ser)

Gene: NYNRIN (NYN domain and retroviral integrase containing; plus strand). Cytogenetic location: 14q12.
Variant type: single nucleotide variant.
Coding change: c.2041C>T on transcript NM_025081.3 (MANE Select); coding-DNA position 2041, C replaced by T.
Protein change: p.Pro681Ser; replaces proline 681 with serine.
Molecular consequence: missense variant.
Genome position (GRCh38, 1-based): chr14:24,409,835, C>T. VCF-style: chr14-24409835-C-T. GRCh37 (hg19) VCF-style: chr14-24879041-C-T.
Other names: short protein forms P681S.
Identifiers: ClinVar variation 2214881 (VCV002214881.5), dbSNP rs751868586, ClinGen allele CA7136895.
Genomic context (GRCh38, chr14:24,409,835, plus strand): 5'-AAAGCACCTGCAGCTCCCAAAGTACCTGTGACCCCCAGAGTCTCCAGAGCTCCCAAAACA[C>T]CTGCAGCTCAGAAGGTGCCCACGGATGCAGGGCCAACCTTGGATGTAGCCAGACTTCTGA-3'
Protein context (NP_079357.2, residues 671-691): TPRVSRAPKT[Pro681Ser]AAQKVPTDAG